The following is an entry in ClinVar:

NM_004100.5(EYA4):c.394C>A (p.Pro132Thr)

Gene: EYA4 (EYA transcriptional coactivator and phosphatase 4; plus strand). Cytogenetic location: 6q23.2.
Variant type: single nucleotide variant.
Coding change: c.394C>A on transcript NM_004100.5 (MANE Select); coding-DNA position 394, C replaced by A.
Protein change: p.Pro132Thr; replaces proline 132 with threonine.
Molecular consequence: missense variant.
Genome position (GRCh38, 1-based): chr6:133,461,137, C>A. VCF-style: chr6-133461137-C-A. GRCh37 (hg19) VCF-style: chr6-133782275-C-A.
Other names: c.232C>A, p.Pro78Thr (NM_001301012.2, NM_001370459.1); c.394C>A, p.Pro132Thr (NM_001301013.2, NM_172105.4); c.325C>A, p.Pro109Thr (NM_001370458.1, NM_172103.4); short protein forms P109T, P132T, P78T.
Identifiers: ClinVar variation 2757501 (VCV002757501.3), dbSNP rs765509415, ClinGen allele CA4008048.

ClinVar aggregate classification (germline): Uncertain significance (1 of 4 stars; one submission).

Conditions:
Dilated cardiomyopathy 1J (CMD1J). Also called: CARDIOMYOPATHY, DILATED, WITH SENSORINEURAL HEARING LOSS, AUTOSOMAL DOMINANT. Identifiers: Orphanet 217622, MedGen C1854368, MONDO:0011541, OMIM 605362.

Allele frequency attached by ClinVar (database versions not stated): ExAC 0.00001.

Submission:

Labcorp Genetics (formerly Invitae), Labcorp
Classification: Uncertain significance for Dilated cardiomyopathy 1J. Last evaluated: 2024-12-16. Review status: criteria provided, single submitter. Criteria: Invitae Variant Classification Sherloc (09022015). Collection method: clinical testing. Allele origin: germline.
Comment: This sequence change replaces proline, which is neutral and non-polar, with threonine, which is neutral and polar, at codon 132 of the EYA4 protein (p.Pro132Thr). This variant is not present in population databases (gnomAD no frequency). This variant has not been reported in the literature in individuals affected with EYA4-related conditions. ClinVar contains an entry for this variant (Variation ID: 2757501). Invitae Evidence Modeling of protein sequence and biophysical properties (such as structural, functional, and spatial information, amino acid conservation, physicochemical variation, residue mobility, and thermodynamic stability) indicates that this missense variant is not expected to disrupt EYA4 protein function with a negative predictive value of 80%. In summary, the available evidence is currently insufficient to determine the role of this variant in disease. Therefore, it has been classified as a Variant of Uncertain Significance.